The following is an entry in ClinVar:

ClinVar aggregate classification (germline): Uncertain significance (1 of 4 stars; one submission).

Submission:

Labcorp Genetics (formerly Invitae), Labcorp
Classification: Uncertain significance. Last evaluated: 2024-12-29. Review status: criteria provided, single submitter. Criteria: Invitae Variant Classification Sherloc (09022015). Collection method: clinical testing. Allele origin: germline.
Comment: This sequence change replaces proline, which is neutral and non-polar, with serine, which is neutral and polar, at codon 462 of the CTNNA1 protein (p.Pro462Ser). This variant is not present in population databases (gnomAD no frequency). This variant has not been reported in the literature in individuals affected with CTNNA1-related conditions. Invitae Evidence Modeling of protein sequence and biophysical properties (such as structural, functional, and spatial information, amino acid conservation, physicochemical variation, residue mobility, and thermodynamic stability) indicates that this missense variant is not expected to disrupt CTNNA1 protein function with a negative predictive value of 80%. In summary, the available evidence is currently insufficient to determine the role of this variant in disease. Therefore, it has been classified as a Variant of Uncertain Significance.

NM_001903.5(CTNNA1):c.1384C>T (p.Pro462Ser)

Gene: CTNNA1 (catenin alpha 1; plus strand). Cytogenetic location: 5q31.2.
Variant type: single nucleotide variant.
Coding change: c.1384C>T on transcript NM_001903.5 (MANE Select); coding-DNA position 1384, C replaced by T.
Protein change: p.Pro462Ser; replaces proline 462 with serine.
Molecular consequence: missense variant. On other transcripts: 5 prime UTR variant (4), intron variant (3).
Genome position (GRCh38, 1-based): chr5:138,904,436, C>T. VCF-style: chr5-138904436-C-T. GRCh37 (hg19) VCF-style: chr5-138240125-C-T.
Other names: c.1384C>T, p.Pro462Ser (NM_001290307.3, NM_001323982.2, NM_001323983.1 and 2 more transcripts); c.1075C>T, p.Pro359Ser (NM_001290309.3); c.1015C>T, p.Pro339Ser (NM_001290310.3); c.274C>T, p.Pro92Ser (NM_001290312.1, NM_001323987.1, NM_001323988.1 and 17 more transcripts); c.-124C>T (NM_001324006.1, NM_001324007.1, NM_001324008.1 and 1 more transcripts); c.31C>T, p.Pro11Ser (NM_001324012.1, NM_001324013.1); c.1297-13306C>T (NM_001323986.2); c.187-13306C>T (NM_001324011.1); and 1 more; short protein forms P11S, P339S, P359S, P92S, P462S.
Identifiers: ClinVar variation 3705556 (VCV003705556.2).